The following is an entry in ClinVar:

NM_000088.4(COL1A1):c.740C>T (p.Pro247Leu)

Genes: COL1A1 (collagen type I alpha 1 chain; minus strand), LOC126862586 (CDK7 strongly-dependent group 2 enhancer GRCh37_chr17:48273702-48274901; plus strand). Cytogenetic location: 17q21.33.
Variant type: single nucleotide variant.
Coding change: c.740C>T on transcript NM_000088.4 (MANE Select); coding-DNA position 740, C replaced by T.
Protein change: p.Pro247Leu; replaces proline 247 with leucine.
Molecular consequence: missense variant.
Genome position (GRCh38, 1-based): chr17:50,197,190, G>A on the plus strand (C>T on the coding strand, the complement: COL1A1 is on the minus strand). VCF-style: chr17-50197190-G-A. GRCh37 (hg19) VCF-style: chr17-48274551-G-A.
Other names: p.Pro247Leu; short protein forms P247L.
Identifiers: ClinVar variation 287981 (VCV000287981.71), dbSNP rs199626372, ClinGen allele CA8645573.

ClinVar aggregate classification (germline): Conflicting classifications of pathogenicity. Review status: criteria provided, conflicting classifications (1 of 4 stars). 10 submissions from 10 submitters: Uncertain significance (3); Likely benign (6). 1 of the submissions does not count toward it. Last evaluated 2026-05-11.

Conditions:
COL1A1-related disorder. Also called: COL1A1- related disease; COL1A1-related condition.
Cardiovascular phenotype. Identifiers: MedGen CN230736.
Ehlers-Danlos syndrome (EDS). Identifiers: Orphanet 98249, MedGen C0013720, MONDO:0020066.
Osteogenesis imperfecta type I (OI1). Also called: Osteogenesis imperfecta type 1; Lobstein's Disease; Classic Non-deforming Osteogenesis Imperfecta with Blue Sclerae; OI, TYPE I; OSTEOGENESIS IMPERFECTA TARDA; OSTEOGENESIS IMPERFECTA WITH BLUE SCLERAE. Identifiers: Orphanet 216796, Orphanet 666, MedGen C0023931, MONDO:0008146, OMIM 166200. Disease mechanism: loss of function.

Allele frequency attached by ClinVar (database versions not stated): ExAC 0.00008; ESP Exome Variant Server 0.00015; gnomAD exomes 0.00016 and 0.00028; gnomAD 0.00036 and 0.00038; TOPMed 0.00036.
gnomAD v4.1: 472 of 1,613,640 alleles (0.029%); highest among the groups gnomAD compares: Admixed American, 0.087%; no homozygotes.

Submissions (10):

Women's Health and Genetics/Laboratory Corporation of America, LabCorp
Classification: Likely benign. Last evaluated: 2026-05-11. Review status: criteria provided, single submitter. Criteria: LabCorp Variant Classification Summary - May 2015. Collection method: clinical testing. Allele origin: germline.
Comment: Variant summary: COL1A1 c.740C>T (p.Pro247Leu) results in a non-conservative amino acid change in the encoded protein sequence. Algorithms developed to predict the effect of missense changes on protein structure and function all suggest that this variant is likely to be disruptive. The variant allele was found at a frequency of 0.00016 in 251448 control chromosomes (gnomAD). The observed variant frequency exceeds the estimated maximal expected allele frequency for disease-causing variants in COL1A1. c.740C>T has been observed in one individual affected with Osteogenesis Imperfecta (Wang_2015). These data do not allow any conclusion about variant significance. To our knowledge, no experimental evidence demonstrating an impact on protein function has been reported. The following publication have been ascertained in the context of this evaluation (PMID: 25983617). ClinVar contains an entry for this variant (Variation ID: 287981). Based on the evidence outlined above, the variant was classified as likely benign.

CeGaT Center for Human Genetics Tuebingen
Classification: Likely benign. Last evaluated: 2026-02-01. Review status: criteria provided, single submitter. Criteria: CeGaT Center For Human Genetics Tuebingen Variant Classification Criteria Version 2. Collection method: clinical testing. Allele origin: germline. Affected: yes. Observed: 3 variant alleles.
Comment: COL1A1: BS2

Labcorp Genetics (formerly Invitae), Labcorp
Classification: Likely benign for Osteogenesis imperfecta type I. Last evaluated: 2026-01-28. Review status: criteria provided, single submitter. Criteria: Invitae Variant Classification Sherloc (09022015). Collection method: clinical testing. Allele origin: germline.

Mayo Clinic Laboratories, Mayo Clinic
Classification: Likely benign. Last evaluated: 2025-09-16. Review status: criteria provided, single submitter. Criteria: ACMG Guidelines, 2015. Collection method: clinical testing. Allele origin: germline. Observed: 5 variant alleles.
Comment: BS1, BS4, PP2

GeneDx
Classification: Uncertain significance. Last evaluated: 2025-08-04. Review status: criteria provided, single submitter. Criteria: GeneDx Variant Classification Process June 2021. Collection method: clinical testing. Allele origin: germline. Affected: yes.
Comment: Reported in two brothers from one Spanish family, one diagnosed with mild autosomal recessive osteogenesis imperfecta and the other diagnosed with mild Bruck syndrome; however, this variant was also found in their unaffected father, and both brothers were also compound heterozygous for a splice site variant and a missense variant in the PLOD1 gene (PMID: 22689593); In silico analysis supports that this missense variant has a deleterious effect on protein structure/function; Occurs in the triple helical domain at the Y position in the canonical Gly-X-Y repeat. Although this variant may have an effect on normal protein folding and function, missense substitution at the Y position is not a common mechanism of disease (HGMD); This variant is associated with the following publications: (PMID: 25983617, 22689593)

Blueprint Genetics
Classification: Likely benign. Last evaluated: 2024-10-18. Review status: criteria provided, single submitter. Criteria: ACMG Guidelines, 2015. Collection method: clinical testing. Allele origin: germline.

Genome Diagnostics Laboratory, The Hospital for Sick Children
Classification: Uncertain significance for Ehlers-Danlos syndrome. Last evaluated: 2022-06-14. Review status: criteria provided, single submitter. Criteria: ACMG Guidelines, 2015. Collection method: clinical testing. Allele origin: germline.

Ambry Genetics
Classification: Likely benign for Cardiovascular phenotype. Last evaluated: 2021-01-26. Review status: criteria provided, single submitter. Criteria: Ambry Variant Classification Scheme 2023. Collection method: clinical testing. Allele origin: germline.

Eurofins Ntd Llc (ga)
Classification: Uncertain significance. Last evaluated: 2016-05-31. Review status: criteria provided, single submitter. Criteria: EGL Classification Definitions 2015. Collection method: clinical testing. Allele origin: germline. Observed: 3 variant alleles, 3 heterozygotes.

PreventionGenetics, part of Exact Sciences
Classification: Likely benign for COL1A1-related condition. Last evaluated: 2024-01-04. Review status: no assertion criteria provided. Collection method: clinical testing. Allele origin: germline. Not counted in ClinVar's aggregate classification.
Comment: This variant is classified as likely benign based on ACMG/AMP sequence variant interpretation guidelines (Richards et al. 2015 PMID: 25741868, with internal and published modifications).

Literature cited by the submitters: PubMed 25983617 (cited by Women's Health and Genetics/Laboratory Corporation of America, LabCorp and Mayo Clinic Laboratories, Mayo Clinic); PubMed 22689593 (cited by Mayo Clinic Laboratories, Mayo Clinic).